The following is an entry in ClinVar:

NM_003998.4(NFKB1):c.2239dup (p.Leu747fs)

Gene: NFKB1 (nuclear factor kappa B subunit 1; plus strand). Cytogenetic location: 4q24.
Variant type: Duplication.
Coding change: c.2239dup on transcript NM_003998.4 (MANE Select); coding-DNA position 2239, one base duplicated (C; older notation c.2239dupC).
Protein change: p.Leu747fs; shifts the reading frame from leucine 747.
Molecular consequence: frameshift variant.
Genome position (GRCh38, 1-based): chr4:102,610,586, C duplicated; the last of 4 consecutive C bases (chr4:102,610,583-102,610,586); duplicating any one gives the same sequence. VCF-style (leftmost placement, unchanged base first): chr4-102610582-T-TC. GRCh37 (hg19) VCF-style: chr4-103531739-T-TC.
Other names: c.2236dup, p.Leu746fs (NM_001165412.2, NM_001319226.2, NM_001382627.1); c.2239dup, p.Leu747fs (NM_001382625.1, NM_001382626.1); c.2197dup, p.Leu733fs (NM_001382628.1); short protein forms L746fs, L747fs, L733fs.
Identifiers: ClinVar variation 4734099 (VCV004734099.1).

ClinVar aggregate classification (germline): Pathogenic (1 of 4 stars; one submission).

Submission:

Labcorp Genetics (formerly Invitae), Labcorp
Classification: Pathogenic. Last evaluated: 2026-01-17. Review status: criteria provided, single submitter. Criteria: Invitae Variant Classification Sherloc (09022015). Collection method: clinical testing. Allele origin: germline.
Comment: This sequence change creates a premature translational stop signal (p.Leu747Profs*6) in the NFKB1 gene. It is expected to result in an absent or disrupted protein product. Loss-of-function variants in NFKB1 are known to be pathogenic (PMID: 26279205, 29477724). This variant is not present in population databases (gnomAD no frequency). This variant has not been reported in the literature in individuals affected with NFKB1-related conditions. For these reasons, this variant has been classified as Pathogenic.

Literature cited by the submitters: PubMed 26279205; PubMed 29477724.